The following is an entry in ClinVar:

ClinVar aggregate classification (germline): Uncertain significance (1 of 4 stars; one submission).

Conditions:
Propionic acidemia (PROP). Also called: GLYCINEMIA, KETOTIC; HYPERGLYCINEMIA WITH KETOACIDOSIS AND LEUKOPENIA; KETOTIC HYPERGLYCINEMIA. Identifiers: Orphanet 35, MedGen C0268579, MONDO:0011628, OMIM 606054, HP:0003571.

Allele frequency attached by ClinVar (database versions not stated): TOPMed 0.00002; gnomAD 0.00003; gnomAD exomes 0.00004.
gnomAD v4.1: 59 of 1,613,738 alleles (0.0037%); highest among the groups gnomAD compares: Non-Finnish European, 0.0047%; no homozygotes.

Submission:

Labcorp Genetics (formerly Invitae), Labcorp
Classification: Uncertain significance for Propionic acidemia. Last evaluated: 2022-02-01. Review status: criteria provided, single submitter. Criteria: Invitae Variant Classification Sherloc (09022015). Collection method: clinical testing. Allele origin: germline.
Comment: This sequence change replaces aspartic acid, which is acidic and polar, with glycine, which is neutral and non-polar, at codon 160 of the PCCA protein (p.Asp160Gly). This variant is present in population databases (no rsID available, gnomAD 0.004%). This variant has not been reported in the literature in individuals affected with PCCA-related conditions. Advanced modeling of protein sequence and biophysical properties (such as structural, functional, and spatial information, amino acid conservation, physicochemical variation, residue mobility, and thermodynamic stability) performed at Invitae indicates that this missense variant is not expected to disrupt PCCA protein function. Algorithms developed to predict the effect of sequence changes on RNA splicing suggest that this variant may create or strengthen a splice site. In summary, the available evidence is currently insufficient to determine the role of this variant in disease. Therefore, it has been classified as a Variant of Uncertain Significance.

NM_000282.4(PCCA):c.479A>G (p.Asp160Gly)

Gene: PCCA (propionyl-CoA carboxylase subunit alpha; plus strand). Cytogenetic location: 13q32.3.
Variant type: single nucleotide variant.
Coding change: c.479A>G on transcript NM_000282.4 (MANE Select); coding-DNA position 479, A replaced by G.
Protein change: p.Asp160Gly; replaces aspartic acid 160 with glycine.
Molecular consequence: missense variant. On other transcripts: 5 prime UTR variant (3), non-coding transcript variant (5).
Genome position (GRCh38, 1-based): chr13:100,209,342, A>G. VCF-style: chr13-100209342-A-G. GRCh37 (hg19) VCF-style: chr13-100861596-A-G.
Other names: c.401A>G, p.Asp134Gly (NM_001127692.3, NM_001352607.2, NM_001352608.2); c.479A>G, p.Asp160Gly (NM_001178004.2, NM_001352605.2, NM_001352606.2 and 1 more transcripts); c.-388A>G (NM_001352610.2, NM_001352611.2, NM_001352612.2); short protein forms D160G, D134G.
Identifiers: ClinVar variation 2085441 (VCV002085441.1), dbSNP rs1173349585, ClinGen allele CA388693273.